The following is an entry in ClinVar:

ClinVar aggregate classification (germline): Likely benign (1 of 4 stars; one submission).

gnomAD v4.1: 31 of 1,614,018 alleles (0.0019%); highest among the groups gnomAD compares: Non-Finnish European, 0.0025%; no homozygotes.

Submission:

CeGaT Center for Human Genetics Tuebingen
Classification: Likely benign. Last evaluated: 2025-07-01. Review status: criteria provided, single submitter. Criteria: CeGaT Center For Human Genetics Tuebingen Variant Classification Criteria Version 2. Collection method: clinical testing. Allele origin: germline. Affected: yes. Observed: 1 variant allele.
Comment: KDM6B: BP4, BS2

NM_001348716.2(KDM6B):c.380C>G (p.Thr127Arg)

Gene: KDM6B (lysine demethylase 6B; plus strand). Cytogenetic location: 17p13.1.
Variant type: single nucleotide variant.
Coding change: c.380C>G on transcript NM_001348716.2 (MANE Select); coding-DNA position 380, C replaced by G.
Protein change: p.Thr127Arg; replaces threonine 127 with arginine.
Molecular consequence: missense variant.
Genome position (GRCh38, 1-based): chr17:7,846,221, C>G. VCF-style: chr17-7846221-C-G. GRCh37 (hg19) VCF-style: chr17-7749539-C-G.
Other names: c.380C>G, p.Thr127Arg (NM_001080424.2); short protein forms T127R.
Identifiers: ClinVar variation 4085065 (VCV004085065.8).
Genomic context (GRCh38, chr17:7,846,221, plus strand): 5'-CAGGGCTTTGGGAACAGCTTGGGCAACTGTACGAGTCAGAGCACGATAGTGAGGAGGCCA[C>G]ACGCTGCTACCACAGCGCCCTTCGATACGGAGGAAGCTTCGCTGAGCTGGGGCCCCGCAT-3'
Protein context (NP_001335645.1, residues 117-137): YESEHDSEEA[Thr127Arg]RCYHSALRYG